The following is an entry in ClinVar:

ClinVar aggregate classification (germline): Uncertain significance (1 of 4 stars; one submission).

Submission:

GeneDx
Classification: Uncertain significance. Last evaluated: 2022-09-01. Review status: criteria provided, single submitter. Criteria: GeneDx Variant Classification Process June 2021. Collection method: clinical testing. Allele origin: germline. Affected: yes.
Comment: Not observed at significant frequency in large population cohorts (gnomAD); In silico analysis supports that this missense variant has a deleterious effect on protein structure/function; Has not been previously published as pathogenic or benign to our knowledge

NM_017617.5(NOTCH1):c.7490C>A (p.Thr2497Asn)

Gene: NOTCH1 (notch receptor 1; minus strand). Cytogenetic location: 9q34.3.
Variant type: single nucleotide variant.
Coding change: c.7490C>A on transcript NM_017617.5 (MANE Select); coding-DNA position 7490, C replaced by A.
Protein change: p.Thr2497Asn; replaces threonine 2497 with asparagine.
Molecular consequence: missense variant.
Genome position (GRCh38, 1-based): chr9:136,496,249, G>T on the plus strand (C>A on the coding strand, the complement: NOTCH1 is on the minus strand). VCF-style: chr9-136496249-G-T. GRCh37 (hg19) VCF-style: chr9-139390701-G-T.
Other names: short protein forms T2497N.
Identifiers: ClinVar variation 2442556 (VCV002442556.1), dbSNP rs2133314534, ClinGen allele CA375626096.